The following is an entry in ClinVar:

ClinVar aggregate classification (germline): Pathogenic (1 of 4 stars; one submission).

Conditions:
Fabry disease. Also called: ALPHA-GALACTOSIDASE A DEFICIENCY; ANDERSON-FABRY DISEASE; CERAMIDE TRIHEXOSIDASE DEFICIENCY; GLA DEFICIENCY; HEREDITARY DYSTOPIC LIPIDOSIS; Angiokeratoma corporis diffusum. Identifiers: Orphanet 324, MedGen C0002986, MONDO:0010526, OMIM 301500, HP:0001071. Disease mechanism: Fabry disease is due to inactivating mutations in the X-linked GLA gene resulting in deficiency of the enzyme Alpha Galactosidase-A., loss of function.

Submission:

Genomenon, Inc
Classification: Pathogenic for Fabry disease. Last evaluated: 2026-09-08. Review status: criteria provided, single submitter. Criteria: Genomenon Sequence Variant Interpretation Standards - Updated. Collection method: curation. Allele origin: germline. Affected: yes.
Comment: GLA p.Ala350ValfsTer2 (c.1049del) is a frameshift variant that is predicted to introduce a premature termination codon and result in a truncated or absent protein product. This variant has been observed in at least one proband with clinical features consistent with Fabry disease (PMID:32843101;20022777;36140787). The variant was found to segregate with disease in at least one affected family (PMID:36140787). Functional or patient cell studies have been reported (PMID:32843101;36140787). It is absent or not present at a significant frequency in gnomAD. In conclusion, we classify GLA p.Ala350ValfsTer2 (c.1049del) as a pathogenic variant.

Literature cited by the submitters: PubMed 32843101; PubMed 20022777; PubMed 36140787.

NM_000169.3(GLA):c.1049del (p.Ala350fs)

Genes: GLA (galactosidase alpha; minus strand), RPL36A-HNRNPH2 (RPL36A-HNRNPH2 readthrough; plus strand). Cytogenetic location: Xq22.1.
Variant type: Deletion.
Coding change: c.1049del on transcript NM_000169.3 (MANE Select); coding-DNA position 1049, one base deleted (C; older notation c.1049delC).
Protein change: p.Ala350fs; shifts the reading frame from alanine 350.
Molecular consequence: frameshift variant. On other transcripts: non-coding transcript variant (3), intron variant (2).
Genome position (GRCh38, 1-based): chrX:101,398,050, G deleted on the plus strand (C on the coding strand, the reverse complement: GLA is on the minus strand). VCF-style (leftmost placement, unchanged base first): chrX-101398049-AG-A. GRCh37 (hg19) VCF-style: chrX-100653037-AG-A.
Other names: c.1172del, p.Ala391fs (NM_001406747.1); c.300+2593del (NM_001199973.2); c.177+6228del (NM_001199974.2); short protein forms A350fs, A391fs.
Identifiers: ClinVar variation 4087045 (VCV004087045.2).